The following is an entry in ClinVar:

NM_014336.5(AIPL1):c.137G>A (p.Arg46Gln)

Gene: AIPL1 (AIP like 1 HSP90 co-chaperone; minus strand). Cytogenetic location: 17p13.2.
Variant type: single nucleotide variant.
Coding change: c.137G>A on transcript NM_014336.5 (MANE Select); coding-DNA position 137, G replaced by A.
Protein change: p.Arg46Gln; replaces arginine 46 with glutamine.
Molecular consequence: missense variant. On other transcripts: intron variant (2).
Genome position (GRCh38, 1-based): chr17:6,434,058, C>T on the plus strand (G>A on the coding strand, the complement: AIPL1 is on the minus strand). VCF-style: chr17-6434058-C-T. GRCh37 (hg19) VCF-style: chr17-6337378-C-T.
Other names: c.137G>A, p.Arg46Gln (NM_001033054.3, NM_001285401.3, NM_001285403.4); c.101G>A, p.Arg34Gln (NM_001285399.3); c.20G>A, p.Arg7Gln (NM_001285402.2); c.96+951G>A (NM_001033055.3); c.97-26G>A (NM_001285400.3); short protein forms R34Q, R7Q, R46Q.
Identifiers: ClinVar variation 962856 (VCV000962856.8), dbSNP rs755639765, ClinGen allele CA8328613.
Genomic context (GRCh38, chr17:6,434,058, plus strand): 5'-ATGTTTCCGATGATGATGTGCATGGGCTGGCCCACCTGCCGACTGTCGTCAATGACTGTC[C>T]GCTCCTCATCACATTTCATGGTGCGGAAATGAAAGATCACCTAGTCACCGAGACGGTGCA-3'
Protein context (NP_055151.3, residues 36-56): HFRTMKCDEE[Arg46Gln]TVIDDSRQVG

ClinVar aggregate classification (germline): Uncertain significance. Review status: criteria provided, multiple submitters, no conflicts (2 of 4 stars). 2 submissions from 2 submitters: Uncertain significance (2). Last evaluated 2022-12-07.

Conditions:
Leber congenital amaurosis 4 (LCA4). Identifiers: MedGen C1858386, MONDO:0011458, OMIM 604393.

Allele frequency attached by ClinVar (database versions not stated): TOPMed 0.00001.
gnomAD v4.1: 62 of 1,613,990 alleles (0.0038%); highest among the groups gnomAD compares: East Asian, 0.042%; no homozygotes.

Submissions (2):

Blueprint Genetics
Classification: Uncertain significance. Last evaluated: 2022-12-07. Review status: criteria provided, single submitter. Criteria: ACMG Guidelines, 2015. Collection method: clinical testing. Allele origin: germline.

Labcorp Genetics (formerly Invitae), Labcorp
Classification: Uncertain significance for Leber congenital amaurosis 4. Last evaluated: 2022-07-05. Review status: criteria provided, single submitter. Criteria: Invitae Variant Classification Sherloc (09022015). Collection method: clinical testing. Allele origin: germline.
Comment: This sequence change replaces arginine, which is basic and polar, with glutamine, which is neutral and polar, at codon 46 of the AIPL1 protein (p.Arg46Gln). This variant is present in population databases (rs755639765, gnomAD 0.01%). This variant has not been reported in the literature in individuals affected with AIPL1-related conditions. ClinVar contains an entry for this variant (Variation ID: 962856). Algorithms developed to predict the effect of missense changes on protein structure and function are either unavailable or do not agree on the potential impact of this missense change (SIFT: "Tolerated"; PolyPhen-2: "Possibly Damaging"; Align-GVGD: "Class C0"). Algorithms developed to predict the effect of sequence changes on RNA splicing suggest that this variant may create or strengthen a splice site. In summary, the available evidence is currently insufficient to determine the role of this variant in disease. Therefore, it has been classified as a Variant of Uncertain Significance.